The following is an entry in ClinVar:

ClinVar aggregate classification (germline): Uncertain significance (1 of 4 stars; one submission).

Submission:

Women's Health and Genetics/Laboratory Corporation of America, LabCorp
Classification: Uncertain significance. Last evaluated: 2025-09-18. Review status: criteria provided, single submitter. Criteria: LabCorp Variant Classification Summary - May 2015. Collection method: clinical testing. Allele origin: germline.
Comment: Variant summary: HEATR5B c.5513C>G (p.Thr1838Arg) results in a non-conservative amino acid change in the encoded protein sequence. Algorithms developed to predict the effect of missense changes on protein structure and function are either unavailable or do not agree on the potential impact of this missense change. The variant was absent in 251478 control chromosomes. The available data on variant occurrences in the general population are insufficient to allow any conclusion about variant significance. To our knowledge, no occurrence of c.5513C>G in individuals affected with HEATR5B-related conditions and no experimental evidence demonstrating its impact on protein function have been reported. No submitters have cited clinical-significance assessments for this variant to ClinVar. Based on the evidence outlined above, the variant was classified as uncertain significance.

NM_019024.3(HEATR5B):c.5513C>G (p.Thr1838Arg)

Gene: HEATR5B (HEAT repeat containing 5B; minus strand). Cytogenetic location: 2p22.2.
Variant type: single nucleotide variant.
Coding change: c.5513C>G on transcript NM_019024.3 (MANE Select); coding-DNA position 5513, C replaced by G.
Protein change: p.Thr1838Arg; replaces threonine 1838 with arginine.
Molecular consequence: missense variant.
Genome position (GRCh38, 1-based): chr2:37,000,618, G>C on the plus strand (C>G on the coding strand, the complement: HEATR5B is on the minus strand). VCF-style: chr2-37000618-G-C. GRCh37 (hg19) VCF-style: chr2-37227761-G-C.
Other names: short protein forms T1838R.
Identifiers: ClinVar variation 4536128 (VCV004536128.1).
Genomic context (GRCh38, chr2:37,000,618, plus strand): 5'-ACTAAAACGTTTAAAACTGATAGGTTACCTGGTTGAGAATATTCCAGGATGCAAGCAAGC[G>C]TGCTACGAATCAGAGCTGTCCACTGTTTTTGAACGCCAGCCTCAGTTTTGGCCATTGAAA-3'
Protein context (NP_061897.1, residues 1828-1848): QKQWTALIRS[Thr1838Arg]LACILEYSQP